The following is an entry in ClinVar:

NM_001148.6(ANK2):c.3067G>A (p.Gly1023Arg)

Gene: ANK2 (ankyrin 2; plus strand). Cytogenetic location: 4q26.
Variant type: single nucleotide variant.
Coding change: c.3067G>A on transcript NM_001148.6 (MANE Select); coding-DNA position 3067, G replaced by A.
Protein change: p.Gly1023Arg; replaces glycine 1023 with arginine.
Molecular consequence: missense variant.
Genome position (GRCh38, 1-based): chr4:113,330,412, G>A. VCF-style: chr4-113330412-G-A. GRCh37 (hg19) VCF-style: chr4-114251568-G-A.
Other names: p.G1023R:GGA>AGA; p.Gly1023Arg; c.3040G>A, p.Gly1014Arg (NM_001127493.3); c.3079G>A, p.Gly1027Arg (NM_001354225.2); c.3067G>A, p.Gly1023Arg (NM_001354228.2, NM_001354258.2, NM_020977.5); c.3145G>A, p.Gly1049Arg (NM_001354230.2, NM_001354237.2); c.3109G>A, p.Gly1037Arg (NM_001354231.2, NM_001354242.2); c.3103G>A, p.Gly1035Arg (NM_001354232.2); and 26 more; short protein forms G1014R, G1023R, G1001R, G244R, G928R, G952R, G961R, G969R.
Identifiers: ClinVar variation 190561 (VCV000190561.19), dbSNP rs151127289, ClinGen allele CA300863.
Genomic context (GRCh38, chr4:113,330,412, plus strand): 5'-CGAGTCACCTGCCGACTGGTCAAGCGCCACAGACTGGCAACAATGCCTCCAATGGTGGAA[G>A]GAGAAGGCCTGGCCAGTCGCCTGATCGAAGTTGGACCTTCTGGTGCTCAGTTCCTTGGGT-3'
Protein context (NP_001139.3, residues 1013-1033): RLATMPPMVE[Gly1023Arg]EGLASRLIEV

ClinVar aggregate classification (germline): Conflicting classifications of pathogenicity. Review status: criteria provided, conflicting classifications (1 of 4 stars). 7 submissions from 7 submitters: Uncertain significance (6); Likely benign (1). Last evaluated 2025-10-23.

Conditions:
Cardiovascular phenotype. Identifiers: MedGen CN230736.
Long QT syndrome (LQTS). Identifiers: MedGen C0023976, MeSH D008133, MONDO:0002442. Disease mechanism: loss of function. Inheritance: Various modes of inheritance.
Cardiac arrhythmia, ankyrin-B-related. Also called: ANKYRIN-B SYNDROME. Identifiers: Orphanet 101016, Orphanet 768, MedGen C1970119, MONDO:0010958, OMIM 600919.

Allele frequency attached by ClinVar (database versions not stated): ExAC 0.00001; gnomAD 0.00002; gnomAD exomes 0.00003 and 0.00012; TOPMed 0.00003; ESP Exome Variant Server 0.00008.
gnomAD v4.1: 182 of 1,614,242 alleles (0.011%); highest among the groups gnomAD compares: Non-Finnish European, 0.015%; no homozygotes.

Submissions (7):

Labcorp Genetics (formerly Invitae), Labcorp
Classification: Uncertain significance for Long QT syndrome. Last evaluated: 2025-10-23. Review status: criteria provided, single submitter. Criteria: Invitae Variant Classification Sherloc (09022015). Collection method: clinical testing. Allele origin: germline.
Comment: This sequence change replaces glycine, which is neutral and non-polar, with arginine, which is basic and polar, at codon 1023 of the ANK2 protein (p.Gly1023Arg). This variant is present in population databases (rs151127289, gnomAD 0.009%). This missense change has been observed in individual(s) with ANK2-related conditions (PMID: 28191889). ClinVar contains an entry for this variant (Variation ID: 190561). Invitae Evidence Modeling of protein sequence and biophysical properties (such as structural, functional, and spatial information, amino acid conservation, physicochemical variation, residue mobility, and thermodynamic stability) indicates that this missense variant is not expected to disrupt ANK2 protein function with a negative predictive value of 80%. In summary, the available evidence is currently insufficient to determine the role of this variant in disease. Therefore, it has been classified as a Variant of Uncertain Significance.

GeneDx
Classification: Uncertain significance. Last evaluated: 2024-03-01. Review status: criteria provided, single submitter. Criteria: GeneDx Variant Classification Process June 2021. Collection method: clinical testing. Allele origin: germline. Affected: yes.
Comment: In silico analysis supports that this missense variant has a deleterious effect on protein structure/function; This variant is associated with the following publications: (PMID: 28191889, 33004838)

Mayo Clinic Laboratories, Mayo Clinic
Classification: Uncertain significance. Last evaluated: 2022-11-08. Review status: criteria provided, single submitter. Criteria: ACMG Guidelines, 2015. Collection method: clinical testing. Allele origin: germline. Observed: 2 variant alleles.

Blueprint Genetics
Classification: Uncertain significance. Last evaluated: 2022-11-04. Review status: criteria provided, single submitter. Criteria: ACMG Guidelines, 2015. Collection method: clinical testing. Allele origin: germline.

Ambry Genetics
Classification: Likely benign for Cardiovascular phenotype. Last evaluated: 2021-04-20. Review status: criteria provided, single submitter. Criteria: Ambry Variant Classification Scheme 2023. Collection method: clinical testing. Allele origin: germline.

Women's Health and Genetics/Laboratory Corporation of America, LabCorp
Classification: Uncertain significance. Last evaluated: 2021-03-25. Review status: criteria provided, single submitter. Criteria: LabCorp Variant Classification Summary - May 2015. Collection method: clinical testing. Allele origin: germline.
Comment: Variant summary: ANK2 c.3067G>A (p.Gly1023Arg) results in a non-conservative amino acid change located in the ZU5 domain (IPR000906) of the encoded protein sequence. Three of five in-silico tools predict a damaging effect of the variant on protein function. The variant allele was found at a frequency of 3.2e-05 in 251068 control chromosomes (gnomAD). The available data on variant occurrences in the general population are insufficient to allow any conclusion about variant significance. To our knowledge, no occurrence of c.3067G>A in individuals affected with Long QT Syndrome and no experimental evidence demonstrating its impact on protein function have been reported. Three ClinVar submitters (evaluation after 2014) cite the variant as uncertain significance. Based on the evidence outlined above, the variant was classified as uncertain significance.

Illumina Laboratory Services, Illumina
Classification: Uncertain significance for Cardiac arrhythmia, ankyrin-B-related. Last evaluated: 2018-01-12. Review status: criteria provided, single submitter. Criteria: ICSL Variant Classification Criteria 13 December 2019. Collection method: clinical testing. Allele origin: germline.

Literature cited by the submitters: PubMed 28191889 (cited by Labcorp Genetics (formerly Invitae), Labcorp).